The following is an entry in ClinVar:

NM_032242.4(PLXNA1):c.3095G>A (p.Arg1032His)

Gene: PLXNA1 (plexin A1; plus strand). Cytogenetic location: 3q21.3.
Variant type: single nucleotide variant.
Coding change: c.3095G>A on transcript NM_032242.4 (MANE Select); coding-DNA position 3095, G replaced by A.
Protein change: p.Arg1032His; replaces arginine 1032 with histidine.
Molecular consequence: missense variant.
Genome position (GRCh38, 1-based): chr3:127,016,597, G>A. VCF-style: chr3-127016597-G-A. GRCh37 (hg19) VCF-style: chr3-126735440-G-A.
Other names: short protein forms R1032H.
Identifiers: ClinVar variation 3047056 (VCV003047056.3), dbSNP rs369900614, ClinGen allele CA2593895.
Genomic context (GRCh38, chr3:127,016,597, plus strand): 5'-GGTGCCTGACACCCCCCGGGCAGAGCCCTGGCAGCGCTCCCATCATCATCAACATCAACC[G>A]CGCCCAGCTCACCAACCCTGAGGTGAAGTACAACTACACCGAGGACCCCACCATCCTGAG-3'
Protein context (NP_115618.3, residues 1022-1042): GSAPIIININ[Arg1032His]AQLTNPEVKY

ClinVar aggregate classification (germline): Uncertain significance. Review status: criteria provided, single submitter (1 of 4 stars). 2 submissions from 2 submitters: Uncertain significance (1). 1 of the submissions does not count toward it. Last evaluated 2026-01-09.

Conditions:
PLXNA1-related disorder. Also called: PLXNA1-related condition.

Allele frequency attached by ClinVar (database versions not stated): TOPMed below 0.00001; gnomAD 0.00001; ExAC 0.00002; ESP Exome Variant Server 0.00008.
gnomAD v4.1: 15 of 1,613,830 alleles (0.00093%); highest among the groups gnomAD compares: Middle Eastern, 0.033%; no homozygotes.

Submissions (2):

Ambry Genetics
Classification: Uncertain significance. Last evaluated: 2026-01-09. Review status: criteria provided, single submitter. Criteria: Ambry Variant Classification Scheme 2023. Collection method: clinical testing. Allele origin: germline.

PreventionGenetics, part of Exact Sciences
Classification: Uncertain significance for PLXNA1-related condition. Last evaluated: 2024-02-27. Review status: no assertion criteria provided. Collection method: clinical testing. Allele origin: germline. Not counted in ClinVar's aggregate classification.
Comment: The PLXNA1 c.3095G>A variant is predicted to result in the amino acid substitution p.Arg1032His. To our knowledge, this variant has not been reported in the literature. This variant is reported in 0.0098% of alleles in individuals of South Asian descent in gnomAD. At this time, the clinical significance of this variant is uncertain due to the absence of conclusive functional and genetic evidence.